The following is an entry in ClinVar:

ClinVar aggregate classification (germline): Benign. Review status: criteria provided, single submitter (1 of 4 stars). 2 submissions from 1 submitter: Benign (2). Last evaluated 2018-01-12.

Conditions:
Susceptibility to mononeuropathy of the median nerve, mild. Also called: CARPAL TUNNEL SYNDROME, SUSCEPTIBILITY TO. Identifiers: MedGen C3150596, MONDO:0013237, OMIM 613353.
Charcot-Marie-Tooth disease type 4C (CMT4C). Also called: CHARCOT-MARIE-TOOTH DISEASE, DEMYELINATING, AUTOSOMAL RECESSIVE, TYPE 4C; CMT 4C; Charcot-Marie-Tooth Neuropathy Type 4C (CMT4C); CHARCOT-MARIE-TOOTH DISEASE, DEMYELINATING, TYPE 4C; SH3TC2-Related Hereditary Motor and Sensory Neuropathy. Identifiers: Orphanet 99949, MedGen C1866636, MONDO:0011113, OMIM 601596.

Allele frequency attached by ClinVar (database versions not stated): 1000 Genomes Project 0.19828; 1000 Genomes Project 30x 0.20019; TOPMed 0.22331; gnomAD 0.22436.
gnomAD v4.1: 34,379 of 152,074 alleles (23%); highest among the groups gnomAD compares: African/African-American, 31%; 4,348 homozygotes.

Submissions (2):

Illumina Laboratory Services, Illumina
Classification: Benign for Charcot-Marie-Tooth disease type 4C. Last evaluated: 2018-01-12. Review status: criteria provided, single submitter. Criteria: ICSL Variant Classification Criteria 13 December 2019. Collection method: clinical testing. Allele origin: germline.
Comment: This variant was observed in the ICSL laboratory as part of a predisposition screen in an ostensibly healthy population. It had not been previously curated by ICSL or reported in the Human Gene Mutation Database (HGMD: prior to June 1st, 2018), and was therefore a candidate for classification through an automated scoring system. Utilizing variant allele frequency, disease prevalence and penetrance estimates, and inheritance mode, an automated score was calculated to assess if this variant is too frequent to cause the disease. Based on the score and internal cut-off values, a variant classified as benign is not then subjected to further curation. The score for this variant resulted in a classification of benign for this disease.

Illumina Laboratory Services, Illumina
Classification: Benign for Susceptibility to mononeuropathy of the median nerve, mild. Last evaluated: 2018-01-12. Review status: criteria provided, single submitter. Criteria: ICSL Variant Classification Criteria 13 December 2019. Collection method: clinical testing. Allele origin: germline.
Comment: the same text as in the submission from Illumina Laboratory Services, Illumina above.

NM_024577.4(SH3TC2):c.*8248G>C

Gene: SH3TC2 (SH3 domain and tetratricopeptide repeats 2; minus strand). Cytogenetic location: 5q32.
Variant type: single nucleotide variant.
Coding change: c.*8248G>C on transcript NM_024577.4 (MANE Select); 8248 bases downstream of the stop codon, G replaced by C.
Molecular consequence: 3 prime UTR variant.
Genome position (GRCh38, 1-based): chr5:148,996,463, C>G on the plus strand (G>C on the coding strand, the complement: SH3TC2 is on the minus strand). VCF-style: chr5-148996463-C-G. GRCh37 (hg19) VCF-style: chr5-148376026-C-G.
Identifiers: ClinVar variation 351758 (VCV000351758.5), dbSNP rs56309414, ClinGen allele CA10623269.